The following is an entry in ClinVar:

ClinVar aggregate classification (germline): Uncertain significance (1 of 4 stars; one submission).

Conditions:
Hereditary hemorrhagic telangiectasia (HHT). Also called: Osler hemorrhagic telangiectasia syndrome; ORW DISEASE; Osler Weber Rendu syndrome; OSLER-RENDU-WEBER DISEASE. Identifiers: Orphanet 774, MedGen C0039445, MONDO:0019180. Disease mechanism: loss of function.

Submission:

Labcorp Genetics (formerly Invitae), Labcorp
Classification: Uncertain significance for Hereditary hemorrhagic telangiectasia. Last evaluated: 2020-02-21. Review status: criteria provided, single submitter. Criteria: Invitae Variant Classification Sherloc (09022015). Collection method: clinical testing. Allele origin: germline.
Comment: This variant is not present in population databases (ExAC no frequency). This sequence change replaces tryptophan with arginine at codon 196 of the ENG protein (p.Trp196Arg). The tryptophan residue is moderately conserved and there is a moderate physicochemical difference between tryptophan and arginine. This variant has been observed in individual(s) with clinical features of hereditary hemorrhagic telangiectasia (PMID: 16470787, 16690726, Invitae). Algorithms developed to predict the effect of missense changes on protein structure and function are either unavailable or do not agree on the potential impact of this missense change (SIFT: "Tolerated"; PolyPhen-2: "Probably Damaging"; Align-GVGD: "Class C0"). In summary, the available evidence is currently insufficient to determine the role of this variant in disease. Therefore, it has been classified as a Variant of Uncertain Significance.

Literature cited by the submitters: PubMed 16470787; PubMed 16690726.

NM_001114753.3(ENG):c.586T>A (p.Trp196Arg)

Gene: ENG (endoglin; minus strand). Cytogenetic location: 9q34.11.
Variant type: single nucleotide variant.
Coding change: c.586T>A on transcript NM_001114753.3 (MANE Select); coding-DNA position 586, T replaced by A.
Protein change: p.Trp196Arg; replaces tryptophan 196 with arginine.
Molecular consequence: missense variant.
Genome position (GRCh38, 1-based): chr9:127,825,798, A>T on the plus strand (T>A on the coding strand, the complement: ENG is on the minus strand). VCF-style: chr9-127825798-A-T. GRCh37 (hg19) VCF-style: chr9-130588077-A-T.
Other names: c.586T>A, p.Trp196Arg (NM_000118.4, NM_001406715.1); c.40T>A, p.Trp14Arg (NM_001278138.2); short protein forms W14R, W196R.
Identifiers: ClinVar variation 1057714 (VCV001057714.12), dbSNP rs2131889336, ClinGen allele CA374983679.
Genomic context (GRCh38, chr9:127,825,798, plus strand): 5'-TGTGGCCGGCCACGCCTTCCAAGTGGCAGCCCCGGACCAAGGCTGGAGTACGCGGCCGCC[A>T]CTCGAGCGTGCGGCCCATGTCCTGGCTGGCTTCCAGCATGCAGAAGGACAGTGACCCCTG-3'
Protein context (NP_001108225.1, residues 186-206): ASQDMGRTLE[Trp196Arg]RPRTPALVRG